The following is an entry in ClinVar:

ClinVar aggregate classification (germline): Uncertain significance. Review status: criteria provided, multiple submitters, no conflicts (2 of 4 stars). 3 submissions from 3 submitters: Uncertain significance (3). Last evaluated 2024-03-15.

Conditions:
Rhabdoid tumor predisposition syndrome 2 (RTPS2). Identifiers: Orphanet 231108, Orphanet 69077, MedGen C2750074, MONDO:0013224, OMIM 613325.
Hereditary cancer-predisposing syndrome. Also called: Neoplastic Syndromes, Hereditary; Tumor predisposition; Hereditary Cancer Syndrome; Hereditary neoplastic syndrome. Identifiers: Orphanet 140162, MedGen C0027672, MeSH D009386, MONDO:0015356.

Submissions (3):

Ambry Genetics
Classification: Uncertain significance for Hereditary cancer-predisposing syndrome. Last evaluated: 2024-03-15. Review status: criteria provided, single submitter. Criteria: Ambry Variant Classification Scheme 2023. Collection method: clinical testing. Allele origin: germline.
Comment: The c.2275-3C>G intronic variant results from a C to G substitution 3 nucleotides upstream from coding exon 15 in the SMARCA4 gene. This nucleotide position is well conserved in available vertebrate species. This variant has been detected in multiple individuals with no reported features of Coffin-Siris syndrome (Ambry internal data). In silico splice site analysis predicts that this alteration will weaken the native splice acceptor site and may result in the creation or strengthening of a novel splice acceptor site; however, direct evidence is insufficient at this time (Ambry internal data). Based on the supporting evidence, the association of this alteration with rhabdoid tumor predisposition syndrome is unknown; however, the association of this alteration with Coffin-Siris syndrome is unlikely.

GeneDx
Classification: Uncertain significance. Last evaluated: 2024-01-02. Review status: criteria provided, single submitter. Criteria: GeneDx Variant Classification Process June 2021. Collection method: clinical testing. Allele origin: germline. Affected: yes.
Comment: Not observed at significant frequency in large population cohorts (gnomAD); In silico analysis supports a deleterious effect on splicing; Has not been previously published as pathogenic or benign to our knowledge

Labcorp Genetics (formerly Invitae), Labcorp
Classification: Uncertain significance for Rhabdoid tumor predisposition syndrome 2. Last evaluated: 2022-10-30. Review status: criteria provided, single submitter. Criteria: Invitae Variant Classification Sherloc (09022015). Collection method: clinical testing. Allele origin: germline.
Comment: This sequence change falls in intron 15 of the SMARCA4 gene. It does not directly change the encoded amino acid sequence of the SMARCA4 protein. It affects a nucleotide within the consensus splice site. This variant is not present in population databases (gnomAD no frequency). This variant has not been reported in the literature in individuals affected with SMARCA4-related conditions. ClinVar contains an entry for this variant (Variation ID: 820932). Variants that disrupt the consensus splice site are a relatively common cause of aberrant splicing (PMID: 17576681, 9536098). Algorithms developed to predict the effect of sequence changes on RNA splicing suggest that this variant may disrupt the consensus splice site. In summary, the available evidence is currently insufficient to determine the role of this variant in disease. Therefore, it has been classified as a Variant of Uncertain Significance.

Literature cited by the submitters: PubMed 17576681 (cited by Labcorp Genetics (formerly Invitae), Labcorp); PubMed 9536098 (cited by Labcorp Genetics (formerly Invitae), Labcorp).

NM_003072.5(SMARCA4):c.2275-3C>G

Gene: SMARCA4 (SWI/SNF related BAF chromatin remodeling complex subunit ATPase 4; plus strand). Cytogenetic location: 19p13.2.
Variant type: single nucleotide variant.
Coding change: c.2275-3C>G on transcript NM_003072.5 (MANE Select); 3 bases into the intron before coding-DNA position 2275, C replaced by G.
Molecular consequence: intron variant.
Genome position (GRCh38, 1-based): chr19:11,012,946, C>G. VCF-style: chr19-11012946-C-G. GRCh37 (hg19) VCF-style: chr19-11123622-C-G.
Other names: c.2275-3C>G (NM_001128844.3, NM_001128849.3, NM_001128847.4 and 4 more transcripts).
Identifiers: ClinVar variation 820932 (VCV000820932.10), dbSNP rs117611401, ClinGen allele CA915951672.
Genomic context (GRCh38, chr19:11,012,946, plus strand): 5'-GGGAGGACCCTCTGGTGTCCGACCCGGCCTTCAGTCCTGGCGTGGCCGCATCTGTCCTTG[C>G]AGATCAAAGGTTTGGAGTGGCTGGTGTCCCTGTACAACAACAACCTGAACGGCATCCTGG-3'